The following is an entry in ClinVar:

ClinVar aggregate classification (germline): Pathogenic/Likely pathogenic. Review status: criteria provided, multiple submitters, no conflicts (2 of 4 stars). 2 submissions from 2 submitters: Pathogenic (1); Likely pathogenic (1). Last evaluated 2022-03-21.

Conditions:
Meckel syndrome, type 3 (MKS3). Also called: MECKEL-GRUBER SYNDROME, TYPE 3. Identifiers: Orphanet 564, MedGen C1846357, MONDO:0011821, OMIM 607361.
Bardet-Biedl syndrome 14 (BBS14). Identifiers: Orphanet 110, MedGen C2673874, MONDO:0014442, OMIM 615991.
COACH syndrome 1. Identifiers: Orphanet 1454, MedGen C5435651, MONDO:0800103, OMIM 216360, MONDO:0008996.
Nephronophthisis 11 (NPHP11). Identifiers: Orphanet 84081, MedGen C3150796, MONDO:0013302, OMIM 613550.
RHYNS syndrome. Also called: RETINITIS PIGMENTOSA SYNDROME; RETINITIS PIGMENTOSA, HYPOPITUITARISM, NEPHRONOPHTHISIS, AND MILD SKELETAL DYSPLASIA. Identifiers: Orphanet 140976, MedGen C1865794, MONDO:0011202, OMIM 602152.
Joubert syndrome 6 (JBTS6). Identifiers: Orphanet 475, MedGen C1853153, MONDO:0012539, OMIM 610688.

Submissions (2):

Diagnostics Services (NGS), CSIR - Centre For Cellular And Molecular Biology
Classification: Pathogenic for Meckel syndrome, type 3. Last evaluated: 2022-03-21. Review status: criteria provided, single submitter. Criteria: ACMG Guidelines, 2015. Collection method: clinical testing. Allele origin: unknown. Inheritance: Autosomal recessive inheritance. Affected: no. Observed: 1 variant allele, 1 heterozygote.
Comment: The c.479_480del variant is not present in publicly available population databases like 1000 Genomes, Exome Aggregation Consortium (ExAC), Genome Aggregation Database (gnomAD) and Indian Exome Database. The heterozygous state of the variant is present in Exome Variant Server (EVS), at a very low frequency. The variant is not present in our in-house exome database. The variant was not previously reported to Clinvar, Human Genome Mutation Database (HGMD) and/or OMIM databases, in any affected individuals. In-silico pathogenicity prediction programs like MutationTaster2, CADD, Varsome etc. predicted this variant to be likely deleterious. The variant creates a frameshift at the 160th amino acid position of the wild type transcript, that creates a premature stop codon at the 173th amino acid position of the altered transcript, that may either results into a truncated protein or non-sense mediated decay of the mRNA.

The c.479_480del variant was identified as a part of carrier screening in a couple.

Fulgent Genetics
Classification: Likely pathogenic for COACH syndrome 1; RHYNS syndrome; Meckel syndrome, type 3; Joubert syndrome 6; Nephronophthisis 11; Bardet-Biedl syndrome 14. Last evaluated: 2021-12-24. Review status: criteria provided, single submitter. Criteria: ACMG Guidelines, 2015. Collection method: clinical testing. Allele origin: unknown.

NM_153704.6(TMEM67):c.479_480del (p.Phe160fs)

Gene: TMEM67 (transmembrane protein 67; plus strand). Cytogenetic location: 8q22.1.
Variant type: Deletion.
Coding change: c.479_480del on transcript NM_153704.6 (MANE Select); coding-DNA positions 479 to 480, 2 bases deleted (TT; older notation c.479_480delTT).
Protein change: p.Phe160fs; shifts the reading frame from phenylalanine 160.
Molecular consequence: frameshift variant. On other transcripts: non-coding transcript variant (1).
Genome position (GRCh38, 1-based): chr8:93,763,914-93,763,915, TT deleted; deleting any 2 consecutive bases within chr8:93,763,912-93,763,915 gives the same sequence; the c. name uses the placement nearest the transcript's 3' end. VCF-style (leftmost placement, unchanged base first): chr8-93763911-CTT-C. GRCh37 (hg19) VCF-style: chr8-94776139-CTT-C.
Other names: c.236_237del, p.Phe79fs (NM_001142301.1); short protein forms F160fs, F79fs.
Identifiers: ClinVar variation 1691287 (VCV001691287.5), dbSNP rs868404889, ClinGen allele CA181310667.